The following is an entry in ClinVar:

ClinVar aggregate classification (germline): Benign. Review status: criteria provided, single submitter (1 of 4 stars). 2 submissions from 2 submitters: Benign (1). 1 of the submissions does not count toward it. Last evaluated 2023-07-19.

Conditions:
ATP8A2-related disorder. Also called: ATP8A2-related condition.

Allele frequency attached by ClinVar (database versions not stated): gnomAD exomes 0.00019; gnomAD 0.00021 and 0.00030; TOPMed 0.00036; ExAC 0.00050; 1000 Genomes Project 30x 0.00172; 1000 Genomes Project 0.00200.
gnomAD v4.1: 330 of 1,614,028 alleles (0.02%); highest among the groups gnomAD compares: East Asian, 0.66%; 2 homozygotes.

Submissions (2):

Labcorp Genetics (formerly Invitae), Labcorp
Classification: Benign. Last evaluated: 2023-07-19. Review status: criteria provided, single submitter. Criteria: Invitae Variant Classification Sherloc (09022015). Collection method: clinical testing. Allele origin: germline.

PreventionGenetics, part of Exact Sciences
Classification: Likely benign for ATP8A2-related condition. Last evaluated: 2019-03-13. Review status: no assertion criteria provided. Collection method: clinical testing. Allele origin: germline. Not counted in ClinVar's aggregate classification.
Comment: This variant is classified as likely benign based on ACMG/AMP sequence variant interpretation guidelines (Richards et al. 2015 PMID: 25741868, with internal and published modifications).

NM_016529.6(ATP8A2):c.1935C>G (p.Val645=)

Gene: ATP8A2 (ATPase phospholipid transporting 8A2). Cytogenetic location: 13q12.13.
Variant type: single nucleotide variant.
Coding change: c.1935C>G on transcript NM_016529.6 (MANE Select); coding-DNA position 1935, C replaced by G.
Protein change: p.Val645=; no amino-acid change (valine 645 retained).
Molecular consequence: synonymous variant.
Genome position (GRCh38, 1-based): chr13:25,579,875, C>G. VCF-style: chr13-25579875-C-G. GRCh37 (hg19) VCF-style: chr13-26154013-C-G.
Other names: c.1935C>G (NM_016529.5); c.1815C>G, p.Val605= (NM_001313741.1).
Identifiers: ClinVar variation 1642274 (VCV001642274.10), dbSNP rs146279041, ClinGen allele CA6923143.